The following is an entry in ClinVar:

ClinVar aggregate classification (germline): Benign (1 of 4 stars; one submission).

Conditions:
Diaphyseal medullary stenosis-bone malignancy syndrome. Also called: MYOPATHY, LIMB-GIRDLE, WITH BONE FRAGILITY; BONE DYSPLASIA WITH MALIGNANT FIBROUS HISTIOCYTOMA; BONE DYSPLASIA WITH MEDULLARY FIBROSARCOMA. Identifiers: Orphanet 85182, MedGen C1862177, MONDO:0007205, OMIM 112250.

Allele frequency attached by ClinVar (database versions not stated): gnomAD 0.00004 and 0.00013; TOPMed 0.00008; 1000 Genomes Project 30x 0.00094; 1000 Genomes Project 0.00140.
gnomAD v4.1: 158 of 971,906 alleles (0.016%); highest among the groups gnomAD compares: South Asian, 0.34%; 2 homozygotes.

Submission:

Illumina Laboratory Services, Illumina
Classification: Benign for Diaphyseal medullary stenosis-bone malignancy syndrome. Last evaluated: 2018-01-13. Review status: criteria provided, single submitter. Criteria: ICSL Variant Classification Criteria 13 December 2019. Collection method: clinical testing. Allele origin: germline.
Comment: This variant was observed in the ICSL laboratory as part of a predisposition screen in an ostensibly healthy population. It had not been previously curated by ICSL or reported in the Human Gene Mutation Database (HGMD: prior to June 1st, 2018), and was therefore a candidate for classification through an automated scoring system. Utilizing variant allele frequency, disease prevalence and penetrance estimates, and inheritance mode, an automated score was calculated to assess if this variant is too frequent to cause the disease. Based on the score and internal cut-off values, a variant classified as benign is not then subjected to further curation. The score for this variant resulted in a classification of benign for this disease.

NM_002451.4(MTAP):c.*1225G>A

Gene: MTAP (methylthioadenosine phosphorylase; plus strand). Cytogenetic location: 9p21.3.
Variant type: single nucleotide variant.
Coding change: c.*1225G>A on transcript NM_002451.4 (MANE Select); 1225 bases downstream of the stop codon, G replaced by A.
Molecular consequence: 3 prime UTR variant.
Genome position (GRCh38, 1-based): chr9:21,863,239, G>A. VCF-style: chr9-21863239-G-A. GRCh37 (hg19) VCF-style: chr9-21863238-G-A.
Identifiers: ClinVar variation 366276 (VCV000366276.5), dbSNP rs556119629, ClinGen allele CA10627083.